The following is an entry in ClinVar:

NM_014991.6(WDFY3):c.6317C>T (p.Ala2106Val)

Gene: WDFY3 (WD repeat and FYVE domain containing 3; minus strand). Cytogenetic location: 4q21.23.
Variant type: single nucleotide variant.
Coding change: c.6317C>T on transcript NM_014991.6 (MANE Select); coding-DNA position 6317, C replaced by T.
Protein change: p.Ala2106Val; replaces alanine 2106 with valine.
Molecular consequence: missense variant.
Genome position (GRCh38, 1-based): chr4:84,740,334, G>A on the plus strand (C>T on the coding strand, the complement: WDFY3 is on the minus strand). VCF-style: chr4-84740334-G-A. GRCh37 (hg19) VCF-style: chr4-85661487-G-A.
Other names: short protein forms A2106V.
Identifiers: ClinVar variation 1308609 (VCV001308609.2), dbSNP rs2149221110, ClinGen allele CA357557094.

ClinVar aggregate classification (germline): Uncertain significance (1 of 4 stars; one submission).

Submission:

GeneDx
Classification: Uncertain significance. Last evaluated: 2020-06-05. Review status: criteria provided, single submitter. Criteria: GeneDx Variant Classification Process June 2021. Collection method: clinical testing. Allele origin: germline. Affected: yes.
Comment: Not observed in large population cohorts (Lek et al., 2016); In silico analysis supports that this missense variant does not alter protein structure/function; Has not been previously published as pathogenic or benign to our knowledge